The following is an entry in ClinVar:

NM_001430.5(EPAS1):c.1727C>T (p.Pro576Leu)

Gene: EPAS1 (endothelial PAS domain protein 1; plus strand). Cytogenetic location: 2p21.
Variant type: single nucleotide variant.
Coding change: c.1727C>T on transcript NM_001430.5 (MANE Select); coding-DNA position 1727, C replaced by T.
Protein change: p.Pro576Leu; replaces proline 576 with leucine.
Molecular consequence: missense variant.
Genome position (GRCh38, 1-based): chr2:46,380,399, C>T. VCF-style: chr2-46380399-C-T. GRCh37 (hg19) VCF-style: chr2-46607538-C-T.
Other names: short protein forms P576L.
Identifiers: ClinVar variation 1778878 (VCV001778878.3), dbSNP rs770796205, ClinGen allele CA1645094.

ClinVar aggregate classification (germline): Uncertain significance. Review status: criteria provided, multiple submitters, no conflicts (2 of 4 stars). 2 submissions from 2 submitters: Uncertain significance (2). Last evaluated 2026-01-19.

Conditions:
Inborn genetic diseases. Identifiers: MedGen C0950123, MeSH D030342.

Allele frequency attached by ClinVar (database versions not stated): ExAC 0.00001; gnomAD exomes 0.00001; TOPMed 0.00002.
gnomAD v4.1: 13 of 1,614,218 alleles (0.00081%); highest among the groups gnomAD compares: Admixed American, 0.02%; no homozygotes.

Submissions (2):

Labcorp Genetics (formerly Invitae), Labcorp
Classification: Uncertain significance. Last evaluated: 2026-01-19. Review status: criteria provided, single submitter. Criteria: Invitae Variant Classification Sherloc (09022015). Collection method: clinical testing. Allele origin: germline.
Comment: This sequence change replaces proline, which is neutral and non-polar, with leucine, which is neutral and non-polar, at codon 576 of the EPAS1 protein (p.Pro576Leu). This variant is present in population databases (rs770796205, gnomAD 0.02%). This variant has not been reported in the literature in individuals affected with EPAS1-related conditions. ClinVar contains an entry for this variant (Variation ID: 1778878). An algorithm developed to predict the effect of missense changes on protein structure and function (PolyPhen-2) suggests that this variant is likely to be disruptive. In summary, the available evidence is currently insufficient to determine the role of this variant in disease. Therefore, it has been classified as a Variant of Uncertain Significance.

Ambry Genetics
Classification: Uncertain significance for Inborn genetic diseases. Last evaluated: 2021-06-20. Review status: criteria provided, single submitter. Criteria: Ambry Variant Classification Scheme 2023. Collection method: clinical testing. Allele origin: germline.
Comment: The p.P576L variant (also known as c.1727C>T), located in coding exon 12 of the EPAS1 gene, results from a C to T substitution at nucleotide position 1727. The proline at codon 576 is replaced by leucine, an amino acid with similar properties. This amino acid position is conserved. In addition, this alteration is predicted to be tolerated by in silico analysis. Since supporting evidence is limited at this time, the clinical significance of this alteration remains unclear.